The following is an entry in ClinVar:

ClinVar aggregate classification (germline): Uncertain significance (1 of 4 stars; one submission).

gnomAD v4.1: 1 of 1,614,214 alleles (0.000062%); no homozygotes.

Submission:

Labcorp Genetics (formerly Invitae), Labcorp
Classification: Uncertain significance. Last evaluated: 2021-09-21. Review status: criteria provided, single submitter. Criteria: Invitae Variant Classification Sherloc (09022015). Collection method: clinical testing. Allele origin: germline.
Comment: This sequence change replaces glutamic acid with glutamine at codon 458 of the HPS6 protein (p.Glu458Gln). The glutamic acid residue is highly conserved and there is a small physicochemical difference between glutamic acid and glutamine. This variant is not present in population databases (ExAC no frequency). This variant has not been reported in the literature in individuals affected with HPS6-related conditions. Algorithms developed to predict the effect of missense changes on protein structure and function (SIFT, PolyPhen-2, Align-GVGD) all suggest that this variant is likely to be disruptive. In summary, the available evidence is currently insufficient to determine the role of this variant in disease. Therefore, it has been classified as a Variant of Uncertain Significance.

NM_024747.6(HPS6):c.1372G>C (p.Glu458Gln)

Gene: HPS6 (HPS6 biogenesis of lysosomal organelles complex 2 subunit 3; plus strand). Cytogenetic location: 10q24.32.
Variant type: single nucleotide variant.
Coding change: c.1372G>C on transcript NM_024747.6 (MANE Select); coding-DNA position 1372, G replaced by C.
Protein change: p.Glu458Gln; replaces glutamic acid 458 with glutamine.
Molecular consequence: missense variant.
Genome position (GRCh38, 1-based): chr10:102,066,846, G>C. VCF-style: chr10-102066846-G-C. GRCh37 (hg19) VCF-style: chr10-103826603-G-C.
Other names: short protein forms E458Q.
Identifiers: ClinVar variation 1476739 (VCV001476739.6), dbSNP rs148245209, ClinGen allele CA377866861.